The following is an entry in ClinVar:

ClinVar aggregate classification (germline): Pathogenic/Likely pathogenic. Review status: criteria provided, multiple submitters, no conflicts (2 of 4 stars). 3 submissions from 3 submitters: Pathogenic (1); Likely pathogenic (1). 1 of the submissions does not count toward it. Last evaluated 2020-01-13.

Conditions:
Mucopolysaccharidosis type 1. Also called: Mucopolysaccharidosis Type I; IDUA deficiency; MPS I. Identifiers: Orphanet 579, MedGen C0023786, MONDO:0001586.
Hurler syndrome. Also called: MUCOPOLYSACCHARIDOSIS TYPE IH; Gargoylism, Hurler Syndrome; Severe MPS I (Hurler Syndrome). Identifiers: Orphanet 93473, MedGen C0086795, MONDO:0011758, OMIM 607014.

Allele frequency attached by ClinVar (database versions not stated): gnomAD exomes below 0.00001 and 0.00001; TOPMed 0.00001; ExAC 0.00003; gnomAD 0.00001.
gnomAD v4.1: 2 of 1,571,186 alleles (0.00013%); highest among the groups gnomAD compares: Admixed American, 0.0037%; no homozygotes.

Submissions (3):

Broad Center for Mendelian Genomics, Broad Institute of MIT and Harvard
Classification: Likely pathogenic for Mucopolysaccharidosis type 1. Last evaluated: 2020-01-13. Review status: criteria provided, single submitter. Criteria: ACMG Guidelines, 2015. Collection method: curation. Allele origin: germline. Inheritance: Autosomal recessive inheritance.
Comment: The c.299+1G>T variant in IDUA has not been previously reported in individuals with mucopolysaccharidosis (MPS) but has been identified in 0.004% (1/27550) of Latino chromosomes by the Genome Aggregation Database (gnomAD; dbSNP rs398123259). Although this variant has been seen in the general population, its frequency is low enough to be consistent with a recessive carrier frequency. This variant has also been reported in ClinVar (VariationID: 92639) as pathogenic by EGL Genetic Diagnostics and as likely pathogenic by Counsyl. This variant occurs in the invariant region (+/- 1/2) of the splice consensus sequence and is predicted to cause altered splicing leading to an abnormal or absent protein. Loss of function of the IDUA gene is an established disease mechanism in autosomal recessive MPS. In summary, although additional studies are required to fully establish its clinical significance, this variant is likely pathogenic. ACMG/AMP Criteria applied: PVS1_strong, PM2 (Richards 2015).

Eurofins Ntd Llc (ga)
Classification: Pathogenic. Last evaluated: 2012-11-01. Review status: criteria provided, single submitter. Criteria: EGL Classification Definitions. Collection method: clinical testing. Allele origin: germline. Observed: 1 variant allele, 1 heterozygote.

Counsyl
Classification: Likely pathogenic for Hurler syndrome. Last evaluated: 2017-10-18. Review status: no assertion criteria provided. Collection method: clinical testing. Allele origin: unknown. Not counted in ClinVar's aggregate classification.

NM_000203.5(IDUA):c.299+1G>T

Genes: IDUA (alpha-L-iduronidase; plus strand), SLC26A1 (solute carrier family 26 member 1; minus strand). Cytogenetic location: 4p16.3.
Variant type: single nucleotide variant.
Coding change: c.299+1G>T on transcript NM_000203.5 (MANE Select); the canonical splice donor site of the intron after coding-DNA position 299, G replaced by T.
Molecular consequence: splice donor variant. On other transcripts: 3 prime UTR variant (2), intron variant (1).
Genome position (GRCh38, 1-based): chr4:987,950, G>T. VCF-style: chr4-987950-G-T. GRCh37 (hg19) VCF-style: chr4-981738-G-T.
Other names: c.*883C>A (NM_022042.4, NM_213613.4); c.576+3178C>A (NM_134425.4).
Identifiers: ClinVar variation 92639 (VCV000092639.11), dbSNP rs398123259, ClinGen allele CA220508.